The following is an entry in ClinVar:

NM_004393.6(DAG1):c.927C>T (p.Arg309=)

Gene: DAG1 (dystroglycan 1; plus strand). Cytogenetic location: 3p21.31.
Variant type: single nucleotide variant.
Coding change: c.927C>T on transcript NM_004393.6 (MANE Select); coding-DNA position 927, C replaced by T.
Protein change: p.Arg309=; no amino-acid change (arginine 309 retained).
Molecular consequence: synonymous variant.
Genome position (GRCh38, 1-based): chr3:49,531,438, C>T. VCF-style: chr3-49531438-C-T. GRCh37 (hg19) VCF-style: chr3-49568871-C-T.
Other names: c.927C>T, p.Arg309= (NM_001165928.4, NM_001177634.3, NM_001177635.3 and 9 more transcripts); c.927C>T (NM_001165928.3).
Identifiers: ClinVar variation 387219 (VCV000387219.40), dbSNP rs551679833, ClinGen allele CA2398984.
Genomic context (GRCh38, chr3:49,531,438, plus strand): 5'-GCTTGGCTACCCTGTGGTGGGTTGGCACATCGCCAATAAGAAGCCCCCTCTTCCCAAACG[C>T]GTCCGGAGGCAGATCCATGCTACACCCACACCTGTCACTGCCATTGGGCCCCCAACCACG-3'
Protein context (NP_004384.5, residues 299-319): IANKKPPLPK[Arg309=]VRRQIHATPT

ClinVar aggregate classification (germline): Conflicting classifications of pathogenicity. Review status: criteria provided, conflicting classifications (1 of 4 stars). 6 submissions from 6 submitters: Uncertain significance (1); Benign (1); Likely benign (3). 1 of the submissions does not count toward it. Last evaluated 2026-05-01.

Conditions:
DAG1-related disorder. Also called: DAG1-related condition.
Muscular dystrophy-dystroglycanopathy (congenital with brain and eye anomalies), type A9. Also called: WALKER-WARBURG SYNDROME OR MUSCLE-EYE BRAIN DISEASE, DAG1-RELATED; Muscular dystrophy-dystroglycanopathy (congenital with brain and eye anomalies), type a, 9. Identifiers: Orphanet 370997, Orphanet 899, MedGen C4225291, MONDO:0014683, OMIM 616538.
Autosomal recessive limb-girdle muscular dystrophy type 2P. Also called: Limb-Girdle Muscular Dystrophy Type 9C; MUSCULAR DYSTROPHY, LIMB-GIRDLE, TYPE 2P; MUSCULAR DYSTROPHY-DYSTROGLYCANOPATHY, LIMB-GIRDLE, DAG1-RELATED. Identifiers: Orphanet 280333, MedGen C4511963, MONDO:0013440, OMIM 613818.

Allele frequency attached by ClinVar (database versions not stated): gnomAD 0.00006 and 0.00015; TOPMed 0.00011; gnomAD exomes 0.00022 and 0.00049; ExAC 0.00049; 1000 Genomes Project 30x 0.00062; 1000 Genomes Project 0.00080.
gnomAD v4.1: 350 of 1,613,982 alleles (0.022%); highest among the groups gnomAD compares: South Asian, 0.29%; 1 homozygote.

Submissions (6):

CeGaT Center for Human Genetics Tuebingen
Classification: Likely benign. Last evaluated: 2026-05-01. Review status: criteria provided, single submitter. Criteria: CeGaT Center For Human Genetics Tuebingen Variant Classification Criteria Version 2. Collection method: clinical testing. Allele origin: germline. Affected: yes. Observed: 6 variant alleles.
Comment: DAG1: BP4, BP7

Labcorp Genetics (formerly Invitae), Labcorp
Classification: Benign for Autosomal recessive limb-girdle muscular dystrophy type 2P; Muscular dystrophy-dystroglycanopathy (congenital with brain and eye anomalies), type A9. Last evaluated: 2026-01-24. Review status: criteria provided, single submitter. Criteria: Invitae Variant Classification Sherloc (09022015). Collection method: clinical testing. Allele origin: germline.

Blueprint Genetics
Classification: Likely benign. Last evaluated: 2024-10-30. Review status: criteria provided, single submitter. Criteria: ACMG Guidelines, 2015. Collection method: clinical testing. Allele origin: germline.

Eurofins Ntd Llc (ga)
Classification: Uncertain significance. Last evaluated: 2016-11-09. Review status: criteria provided, single submitter. Criteria: EGL Classification Definitions 2015. Collection method: clinical testing. Allele origin: germline. Observed: 1 variant allele, 1 heterozygote.

GeneDx
Classification: Likely benign. Last evaluated: 2016-07-21. Review status: criteria provided, single submitter. Criteria: GeneDx Variant Classification (06012015). Collection method: clinical testing. Allele origin: germline. Affected: yes.
Comment: This variant is considered likely benign or benign based on one or more of the following criteria: it is a conservative change, it occurs at a poorly conserved position in the protein, it is predicted to be benign by multiple in silico algorithms, and/or has population frequency not consistent with disease.

PreventionGenetics, part of Exact Sciences
Classification: Likely benign for DAG1-related condition. Last evaluated: 2019-05-24. Review status: no assertion criteria provided. Collection method: clinical testing. Allele origin: germline. Not counted in ClinVar's aggregate classification.
Comment: This variant is classified as likely benign based on ACMG/AMP sequence variant interpretation guidelines (Richards et al. 2015 PMID: 25741868, with internal and published modifications).